The following is an entry in ClinVar:

NM_001144936.2(ZFTA):c.999G>A (p.Leu333=)

Gene: ZFTA (zinc finger translocation associated; minus strand). Cytogenetic location: 11q13.1.
Variant type: single nucleotide variant.
Coding change: c.999G>A on transcript NM_001144936.2 (MANE Select); coding-DNA position 999, G replaced by A.
Protein change: p.Leu333=; no amino-acid change (leucine 333 retained).
Molecular consequence: synonymous variant.
Genome position (GRCh38, 1-based): chr11:63,764,893, C>T on the plus strand (G>A on the coding strand, the complement: ZFTA is on the minus strand). VCF-style: chr11-63764893-C-T. GRCh37 (hg19) VCF-style: chr11-63532365-C-T.
Identifiers: ClinVar variation 2641902 (VCV002641902.24), dbSNP rs750754013, ClinGen allele CA6064787.

ClinVar aggregate classification (germline): Likely benign (1 of 4 stars; one submission).

Allele frequency attached by ClinVar (database versions not stated): gnomAD 0.00005; TOPMed 0.00015.

Submission:

CeGaT Center for Human Genetics Tuebingen
Classification: Likely benign. Last evaluated: 2023-01-01. Review status: criteria provided, single submitter. Criteria: CeGaT Center For Human Genetics Tuebingen Variant Classification Criteria Version 2. Collection method: clinical testing. Allele origin: germline. Affected: yes. Observed: 1 variant allele.
Comment: ZFTA: BP4, BP7